The following is an entry in ClinVar:

ClinVar aggregate classification (germline): Likely benign. Review status: criteria provided, multiple submitters, no conflicts (2 of 4 stars). 2 submissions from 2 submitters: Likely benign (2). Last evaluated 2025-06-20.

Conditions:
Progressive sclerosing poliodystrophy (MTDPS4A). Also called: Alpers-Huttenlocher Syndrome (AHS); Alpers Syndrome; ALPERS PROGRESSIVE INFANTILE POLIODYSTROPHY; Mitochondrial DNA depletion syndrome 4A (Alpers type); ALPERS DIFFUSE DEGENERATION OF CEREBRAL GRAY MATTER WITH HEPATIC CIRRHOSIS; Alpers-Huttenlocher Syndrome. Identifiers: Orphanet 726, MedGen C0205710, MONDO:0008758, OMIM 203700.

Allele frequency attached by ClinVar (database versions not stated): gnomAD 0.00002; TOPMed 0.00002.
gnomAD v4.1: 24 of 1,613,700 alleles (0.0015%); highest among the groups gnomAD compares: Non-Finnish European, 0.0019%; no homozygotes.

Submissions (2):

Labcorp Genetics (formerly Invitae), Labcorp
Classification: Likely benign for Progressive sclerosing poliodystrophy. Last evaluated: 2025-06-20. Review status: criteria provided, single submitter. Criteria: Invitae Variant Classification Sherloc (09022015). Collection method: clinical testing. Allele origin: germline.

Wong Mito Lab, Molecular and Human Genetics, Baylor College of Medicine
Classification: Likely benign for Progressive sclerosing poliodystrophy. Last evaluated: 2018-10-01. Review status: criteria provided, single submitter. Criteria: ACMG Guidelines, 2015. Collection method: clinical testing. Allele origin: germline.
Comment: The NM_002693.2:c.1585+18G>A (NP_002684.1:p.=) [GRCH38: NC_000015.10:g.89326894C>T] variant in POLG gene is interpretated to be a Likely Benign based on ACMG guidelines (PMID: 25741868). This variant meets the following evidence codes reported in the ACMG-guideline. BP4:Computational evidence/predictors indicate no impact on the POLG structure, function, or protein-protein interaction. BP6:Reputable source(s) without shared data suggest the variant is benign. Based on the evidence criteria codes applied, the variant is suggested to be Likely Benign.

NM_002693.3(POLG):c.1585+18G>A

Gene: POLG (DNA polymerase gamma, catalytic subunit; minus strand). Cytogenetic location: 15q26.1.
Variant type: single nucleotide variant.
Coding change: c.1585+18G>A on transcript NM_002693.3 (MANE Select); 18 bases into the intron after coding-DNA position 1585, G replaced by A.
Molecular consequence: intron variant.
Genome position (GRCh38, 1-based): chr15:89,326,894, C>T on the plus strand (G>A on the coding strand, the complement: POLG is on the minus strand). VCF-style: chr15-89326894-C-T. GRCh37 (hg19) VCF-style: chr15-89870125-C-T.
Other names: c.1585+18G>A (NM_001126131.2).
Identifiers: ClinVar variation 619456 (VCV000619456.9), dbSNP rs1371422250, ClinGen allele CA10602309.